The following is an entry in ClinVar:

ClinVar aggregate classification (germline): Uncertain significance. Review status: criteria provided, multiple submitters, no conflicts (2 of 4 stars). 2 submissions from 2 submitters: Uncertain significance (2). Last evaluated 2026-04-14.

Conditions:
Inborn genetic diseases. Identifiers: MedGen C0950123, MeSH D030342.

Allele frequency attached by ClinVar (database versions not stated): gnomAD exomes below 0.00001; TOPMed 0.00001.

Submissions (2):

GeneDx
Classification: Uncertain significance. Last evaluated: 2026-04-14. Review status: criteria provided, single submitter. Criteria: GeneDx Variant Classification Process June 2021. Collection method: clinical testing. Allele origin: germline.
Comment: In silico analysis suggests that this missense variant does not alter protein structure/function; Has not been previously published as pathogenic or benign to our knowledge

Ambry Genetics
Classification: Uncertain significance for Inborn genetic diseases. Last evaluated: 2024-01-23. Review status: criteria provided, single submitter. Criteria: Ambry Variant Classification Scheme 2023. Collection method: clinical testing. Allele origin: germline.

NM_006059.4(LAMC3):c.4492C>T (p.His1498Tyr)

Gene: LAMC3 (laminin subunit gamma 3; plus strand). Cytogenetic location: 9q34.12.
Variant type: single nucleotide variant.
Coding change: c.4492C>T on transcript NM_006059.4 (MANE Select); coding-DNA position 4492, C replaced by T.
Protein change: p.His1498Tyr; replaces histidine 1498 with tyrosine.
Molecular consequence: missense variant.
Genome position (GRCh38, 1-based): chr9:131,091,551, C>T. VCF-style: chr9-131091551-C-T. GRCh37 (hg19) VCF-style: chr9-133966938-C-T.
Other names: short protein forms H1498Y.
Identifiers: ClinVar variation 3117732 (VCV003117732.2), dbSNP rs954404647, ClinGen allele CA375266795.